The following is an entry in ClinVar:

NM_020634.3(GDF3):c.961G>A (p.Asp321Asn)

Gene: GDF3 (growth differentiation factor 3; minus strand). Cytogenetic location: 12p13.31.
Variant type: single nucleotide variant.
Coding change: c.961G>A on transcript NM_020634.3 (MANE Select); coding-DNA position 961, G replaced by A.
Protein change: p.Asp321Asn; replaces aspartic acid 321 with asparagine.
Molecular consequence: missense variant.
Genome position (GRCh38, 1-based): chr12:7,690,012, C>T on the plus strand (G>A on the coding strand, the complement: GDF3 is on the minus strand). VCF-style: chr12-7690012-C-T. GRCh37 (hg19) VCF-style: chr12-7842608-C-T.
Other names: short protein forms D321N.
Identifiers: ClinVar variation 5009808 (VCV005009808.1).

ClinVar aggregate classification (germline): Uncertain significance (1 of 4 stars; one submission).

gnomAD v4.1: 1 of 1,613,984 alleles (0.000062%); highest among the groups gnomAD compares: Non-Finnish European, 0.000085%; no homozygotes.

Submission:

GeneDx
Classification: Uncertain significance. Last evaluated: 2026-02-24. Review status: criteria provided, single submitter. Criteria: GeneDx Variant Classification Process June 2021. Collection method: clinical testing. Allele origin: germline.
Comment: Not observed at significant frequency in large population cohorts (gnomAD); In silico analysis suggests that this missense variant does not alter protein structure/function; Has not been previously published as pathogenic or benign to our knowledge